The following is an entry in ClinVar:

NM_001199753.2(CPT1C):c.1567-4G>T

Gene: CPT1C (carnitine palmitoyltransferase 1C; plus strand). Cytogenetic location: 19q13.33.
Variant type: single nucleotide variant.
Coding change: c.1567-4G>T on transcript NM_001199753.2 (MANE Select); 4 bases into the intron before coding-DNA position 1567, G replaced by T.
Molecular consequence: intron variant.
Genome position (GRCh38, 1-based): chr19:49,710,316, G>T. VCF-style: chr19-49710316-G-T. GRCh37 (hg19) VCF-style: chr19-50213573-G-T.
Other names: c.1534-4G>T (NM_001378485.1, NM_001136052.3, NM_001378487.1); c.1567-4G>T (NM_001378483.1, NM_001199752.3, NM_001378486.1 and 3 more transcripts); c.1633-4G>T (NM_001378482.1).
Identifiers: ClinVar variation 4985683 (VCV004985683.1).

ClinVar aggregate classification (germline): Uncertain significance (1 of 4 stars; one submission).

Conditions:
CPT1C-related disorder. Also called: CPT1C-related condition.

gnomAD v4.1: 21 of 1,613,296 alleles (0.0013%); highest among the groups gnomAD compares: Non-Finnish European, 0.0017%; no homozygotes.

Submission:

PreventionGenetics, part of Exact Sciences
Classification: Uncertain significance for CPT1C-related condition. Last evaluated: 2026-03-10. Review status: criteria provided, single submitter. Criteria: ACMG Guidelines, 2015. Collection method: clinical testing. Allele origin: germline.
Comment: The CPT1C c.1534-4G>T variant is predicted to interfere with splicing. This variant is predicted to alter splicing based on available splicing prediction programs (SpliceAI, Jaganathan et al. 2019. PubMed ID: 30661751). However, the use of computer prediction programs is not equivalent to functional evidence. To our knowledge, this variant has not been reported in the literature. This variant is reported in 0.0018% of alleles in individuals of European (Non-Finnish) descent in gnomAD. At this time, the clinical significance of this variant is uncertain due to the absence of conclusive functional and genetic evidence.